The following is an entry in ClinVar:

ClinVar aggregate classification (germline): Benign/Likely benign. Review status: criteria provided, multiple submitters, no conflicts (2 of 4 stars). 4 submissions from 4 submitters: Benign (2); Likely benign (2). Last evaluated 2026-01-15.

Allele frequency attached by ClinVar (database versions not stated): gnomAD 0.01285 and 0.01196; TOPMed 0.01294; gnomAD exomes 0.00121 and 0.00239; ExAC 0.00135; ESP Exome Variant Server 0.00933; 1000 Genomes Project 0.01138; 1000 Genomes Project 30x 0.01202.
gnomAD v4.1: 3,538 of 1,531,304 alleles (0.23%); highest among the groups gnomAD compares: African/African-American, 4.2%; 69 homozygotes.

Submissions (4):

Labcorp Genetics (formerly Invitae), Labcorp
Classification: Benign. Last evaluated: 2026-01-15. Review status: criteria provided, single submitter. Criteria: Invitae Variant Classification Sherloc (09022015). Collection method: clinical testing. Allele origin: germline.

CeGaT Center for Human Genetics Tuebingen
Classification: Benign. Last evaluated: 2022-05-01. Review status: criteria provided, single submitter. Criteria: CeGaT Center For Human Genetics Tuebingen Variant Classification Criteria Version 2. Collection method: clinical testing. Allele origin: germline. Affected: yes. Observed: 1 variant allele.
Comment: KISS1R: BP4, BP7, BS1, BS2

GeneDx
Classification: Likely benign. Last evaluated: 2019-02-11. Review status: criteria provided, single submitter. Criteria: GeneDx Variant Classification Process June 2021. Collection method: clinical testing. Allele origin: germline. Affected: yes.

Breakthrough Genomics
Classification: Likely benign. Review status: criteria provided, single submitter. Criteria: ACMG Guidelines, 2015. Collection method: not provided. Allele origin: germline. Inheritance: Autosomal recessive inheritance. Affected: yes.

NM_032551.5(KISS1R):c.687C>T (p.Arg229=)

Gene: KISS1R (KISS1 receptor; plus strand). Cytogenetic location: 19p13.3.
Variant type: single nucleotide variant.
Coding change: c.687C>T on transcript NM_032551.5 (MANE Select); coding-DNA position 687, C replaced by T.
Protein change: p.Arg229=; no amino-acid change (arginine 229 retained).
Molecular consequence: synonymous variant.
Genome position (GRCh38, 1-based): chr19:920,055, C>T. VCF-style: chr19-920055-C-T. GRCh37 (hg19) VCF-style: chr19-920055-C-T.
Identifiers: ClinVar variation 719576 (VCV000719576.35), dbSNP rs115335009, ClinGen allele CA9028818.